The following is an entry in ClinVar:

NM_004187.5(KDM5C):c.4579G>C (p.Glu1527Gln)

Gene: KDM5C (lysine demethylase 5C; minus strand). Cytogenetic location: Xp11.22.
Variant type: single nucleotide variant.
Coding change: c.4579G>C on transcript NM_004187.5 (MANE Select); coding-DNA position 4579, G replaced by C.
Protein change: p.Glu1527Gln; replaces glutamic acid 1527 with glutamine.
Molecular consequence: missense variant. On other transcripts: intron variant (5).
Genome position (GRCh38, 1-based): chrX:53,193,071, C>G on the plus strand (G>C on the coding strand, the complement: KDM5C is on the minus strand). VCF-style: chrX-53193071-C-G. GRCh37 (hg19) VCF-style: chrX-53222253-C-G.
Other names: c.4576G>C, p.Glu1526Gln (NM_001282622.3); c.4570G>C, p.Glu1524Gln (NM_001353978.3); c.4305+366G>C (NM_001353982.2); c.4314+366G>C (NM_001353979.2); c.4308+366G>C (NM_001353981.2, NM_001353984.2); c.4047-234G>C (NM_001146702.2); short protein forms E1524Q, E1526Q, E1527Q.
Identifiers: ClinVar variation 2505844 (VCV002505844.1), dbSNP rs1188427935, ClinGen allele CA413102306.

ClinVar aggregate classification (germline): Uncertain significance (1 of 4 stars; one submission).

Allele frequency attached by ClinVar (database versions not stated): TOPMed below 0.00001; gnomAD 0.00001.
gnomAD v4.1: 2 of 1,206,396 alleles (0.00017%); highest among the groups gnomAD compares: Admixed American, 0.0044%; no homozygotes.

Submission:

GeneDx
Classification: Uncertain significance. Last evaluated: 2022-12-15. Review status: criteria provided, single submitter. Criteria: GeneDx Variant Classification Process June 2021. Collection method: clinical testing. Allele origin: germline. Affected: yes.
Comment: Not observed at significant frequency in large population cohorts (gnomAD); In silico analysis supports that this missense variant does not alter protein structure/function; Has not been previously published as pathogenic or benign to our knowledge